The following is an entry in ClinVar:

NM_005045.4(RELN):c.544+4A>G

Gene: RELN (reelin; minus strand). Cytogenetic location: 7q22.1.
Variant type: single nucleotide variant.
Coding change: c.544+4A>G on transcript NM_005045.4 (MANE Select); 4 bases into the intron after coding-DNA position 544, A replaced by G.
Molecular consequence: intron variant.
Genome position (GRCh38, 1-based): chr7:103,776,553, T>C on the plus strand (A>G on the coding strand, the complement: RELN is on the minus strand). VCF-style: chr7-103776553-T-C. GRCh37 (hg19) VCF-style: chr7-103417000-T-C.
Other names: c.544+4A>G (NM_173054.3).
Identifiers: ClinVar variation 5040627 (VCV005040627.1).

ClinVar aggregate classification (germline): Uncertain significance (1 of 4 stars; one submission).

Submission:

CeGaT Center for Human Genetics Tuebingen
Classification: Uncertain significance. Last evaluated: 2026-08-01. Review status: criteria provided, single submitter. Criteria: CeGaT Center For Human Genetics Tuebingen Variant Classification Criteria Version 2. Collection method: clinical testing. Allele origin: germline. Affected: yes. Observed: 1 variant allele.
Comment: RELN: PM2, BP4